The following is an entry in ClinVar:

NM_000219.6(KCNE1):c.166T>C (p.Phe56Leu)

Gene: KCNE1 (potassium voltage-gated channel subfamily E regulatory subunit 1; minus strand). Cytogenetic location: 21q22.12.
Variant type: single nucleotide variant.
Coding change: c.166T>C on transcript NM_000219.6 (MANE Select); coding-DNA position 166, T replaced by C.
Protein change: p.Phe56Leu; replaces phenylalanine 56 with leucine.
Molecular consequence: missense variant.
Genome position (GRCh38, 1-based): chr21:34,449,469, A>G on the plus strand (T>C on the coding strand, the complement: KCNE1 is on the minus strand). VCF-style: chr21-34449469-A-G. GRCh37 (hg19) VCF-style: chr21-35821767-A-G.
Other names: c.166T>C, p.Phe56Leu (NM_001127668.4, NM_001127669.4, NM_001127670.4 and 4 more transcripts); short protein forms F56L.
Identifiers: ClinVar variation 3374221 (VCV003374221.3).

ClinVar aggregate classification (germline): Uncertain significance (1 of 4 stars; one submission).

Conditions:
Long QT syndrome (LQTS). Identifiers: MedGen C0023976, MeSH D008133, MONDO:0002442. Disease mechanism: loss of function. Inheritance: Various modes of inheritance.

Submissions (2):

Labcorp Genetics (formerly Invitae), Labcorp
Classification: Uncertain significance for Long QT syndrome. Last evaluated: 2025-10-17. Review status: criteria provided, single submitter. Criteria: Invitae Variant Classification Sherloc (09022015). Collection method: clinical testing. Allele origin: germline.
Comment: This sequence change replaces phenylalanine, which is neutral and non-polar, with leucine, which is neutral and non-polar, at codon 56 of the KCNE1 protein (p.Phe56Leu). This variant is not present in population databases (gnomAD no frequency). This variant has not been reported in the literature in individuals affected with KCNE1-related conditions. ClinVar contains an entry for this variant (Variation ID: 3374221). Invitae Evidence Modeling of protein sequence and biophysical properties (such as structural, functional, and spatial information, amino acid conservation, physicochemical variation, residue mobility, and thermodynamic stability) indicates that this missense variant is expected to disrupt KCNE1 protein function with a positive predictive value of 95%. In summary, the available evidence is currently insufficient to determine the role of this variant in disease. Therefore, it has been classified as a Variant of Uncertain Significance.

Roden Lab, Vanderbilt University Medical Center
No classification provided (evidence only). Condition: Long QT syndrome 5. Review status: no classification provided. Collection method: in vitro. Allele origin: not applicable. Functional consequence: Effect on ion channel function. Not counted in ClinVar's aggregate classification.
ClinVar note: "not provided" was previously submitted as the classification for the variant. However, the classification appeared to be based only on an observation of functional data so it was converted to no classification on 2025-07-30.